The following is an entry in ClinVar:

ClinVar aggregate classification (germline): Uncertain significance (1 of 4 stars; one submission).

Conditions:
Chromosome 2q32-q33 deletion syndrome (GLASS). Also called: 2q33.1 deletion syndrome; Glass syndrome. Identifiers: Orphanet 251019, MedGen C2676739, MONDO:0012864, OMIM 612313.

Submission:

Labcorp Genetics (formerly Invitae), Labcorp
Classification: Uncertain significance for Chromosome 2q32-q33 deletion syndrome. Last evaluated: 2023-01-15. Review status: criteria provided, single submitter. Criteria: Invitae Variant Classification Sherloc (09022015). Collection method: clinical testing. Allele origin: germline.
Comment: Advanced modeling of protein sequence and biophysical properties (such as structural, functional, and spatial information, amino acid conservation, physicochemical variation, residue mobility, and thermodynamic stability) performed at Invitae indicates that this missense variant is not expected to disrupt SATB2 protein function. In summary, the available evidence is currently insufficient to determine the role of this variant in disease. Therefore, it has been classified as a Variant of Uncertain Significance. This variant has not been reported in the literature in individuals affected with SATB2-related conditions. This variant is not present in population databases (gnomAD no frequency). This sequence change replaces glutamine, which is neutral and polar, with histidine, which is basic and polar, at codon 309 of the SATB2 protein (p.Gln309His).

NM_001172509.2(SATB2):c.927A>C (p.Gln309His)

Gene: SATB2 (SATB homeobox 2; minus strand). Cytogenetic location: 2q33.1.
Variant type: single nucleotide variant.
Coding change: c.927A>C on transcript NM_001172509.2 (MANE Select); coding-DNA position 927, A replaced by C.
Protein change: p.Gln309His; replaces glutamine 309 with histidine.
Molecular consequence: missense variant.
Genome position (GRCh38, 1-based): chr2:199,348,947, T>G on the plus strand (A>C on the coding strand, the complement: SATB2 is on the minus strand). VCF-style: chr2-199348947-T-G. GRCh37 (hg19) VCF-style: chr2-200213670-T-G.
Other names: c.927A>C, p.Gln309His (NM_001172517.1, NM_015265.4); short protein forms Q309H.
Identifiers: ClinVar variation 2828751 (VCV002828751.3), dbSNP rs1688732211, ClinGen allele CA350387830.